The following is an entry in ClinVar:

ClinVar aggregate classification (germline): Uncertain significance (1 of 4 stars; one submission).

Conditions:
Succinyl-CoA acetoacetate transferase deficiency (SCOTD). Also called: KETOACIDOSIS DUE TO SCOT DEFICIENCY; SCOT DEFICIENCY; SUCCINYL-CoA:3-KETOACID CoA-TRANSFERASE DEFICIENCY; 3-Oxoacid CoA Transferase Deficiency; Succinyl CoA:3-oxoacid CoA transferase deficiency. Identifiers: Orphanet 832, MedGen C0342792, MONDO:0009492, OMIM 245050.

Submission:

Labcorp Genetics (formerly Invitae), Labcorp
Classification: Uncertain significance for Succinyl-CoA acetoacetate transferase deficiency. Last evaluated: 2025-02-06. Review status: criteria provided, single submitter. Criteria: Invitae Variant Classification Sherloc (09022015). Collection method: clinical testing. Allele origin: germline.
Comment: This sequence change replaces serine, which is neutral and polar, with arginine, which is basic and polar, at codon 334 of the OXCT1 protein (p.Ser334Arg). This variant is not present in population databases (gnomAD no frequency). This variant has not been reported in the literature in individuals affected with OXCT1-related conditions. Invitae Evidence Modeling of protein sequence and biophysical properties (such as structural, functional, and spatial information, amino acid conservation, physicochemical variation, residue mobility, and thermodynamic stability) indicates that this missense variant is not expected to disrupt OXCT1 protein function with a negative predictive value of 80%. In summary, the available evidence is currently insufficient to determine the role of this variant in disease. Therefore, it has been classified as a Variant of Uncertain Significance.

NM_000436.4(OXCT1):c.1002C>A (p.Ser334Arg)

Gene: OXCT1 (3-oxoacid CoA-transferase 1; minus strand). Cytogenetic location: 5p13.1.
Variant type: single nucleotide variant.
Coding change: c.1002C>A on transcript NM_000436.4 (MANE Select); coding-DNA position 1002, C replaced by A.
Protein change: p.Ser334Arg; replaces serine 334 with arginine.
Molecular consequence: missense variant. On other transcripts: non-coding transcript variant (1).
Genome position (GRCh38, 1-based): chr5:41,803,117, G>T on the plus strand (C>A on the coding strand, the complement: OXCT1 is on the minus strand). VCF-style: chr5-41803117-G-T. GRCh37 (hg19) VCF-style: chr5-41803219-G-T.
Other names: c.1023C>A, p.Ser341Arg (NM_001364299.2, NM_001364300.2); c.996C>A, p.Ser332Arg (NM_001364301.2); c.1002C>A, p.Ser334Arg (NM_001364302.2); c.444C>A, p.Ser148Arg (NM_001364303.2); short protein forms S148R, S332R, S341R, S334R.
Identifiers: ClinVar variation 3643436 (VCV003643436.2).